The following is an entry in ClinVar:

ClinVar aggregate classification (germline): Uncertain significance (1 of 4 stars; one submission).

Submission:

Labcorp Genetics (formerly Invitae), Labcorp
Classification: Uncertain significance. Last evaluated: 2023-12-03. Review status: criteria provided, single submitter. Criteria: Invitae Variant Classification Sherloc (09022015). Collection method: clinical testing. Allele origin: germline.
Comment: This sequence change falls in intron 5 of the CEP78 gene. It does not directly change the encoded amino acid sequence of the CEP78 protein. This variant is not present in population databases (gnomAD no frequency). This variant has not been reported in the literature in individuals affected with CEP78-related conditions. Algorithms developed to predict the effect of sequence changes on RNA splicing suggest that this variant may disrupt the consensus splice site. In summary, the available evidence is currently insufficient to determine the role of this variant in disease. Therefore, it has been classified as a Variant of Uncertain Significance.

NM_001330691.3(CEP78):c.779-14T>G

Gene: CEP78 (centrosomal protein 78; plus strand). Cytogenetic location: 9q21.2.
Variant type: single nucleotide variant.
Coding change: c.779-14T>G on transcript NM_001330691.3 (MANE Select); 14 bases into the intron before coding-DNA position 779, T replaced by G.
Molecular consequence: intron variant.
Genome position (GRCh38, 1-based): chr9:78,246,655, T>G. VCF-style: chr9-78246655-T-G. GRCh37 (hg19) VCF-style: chr9-80861571-T-G.
Other names: c.779-14T>G (NM_001349839.2, NM_001349840.2, NM_001330693.3 and 4 more transcripts).
Identifiers: ClinVar variation 2700723 (VCV002700723.3), dbSNP rs2489411770, ClinGen allele CA2697557815.